The following is an entry in ClinVar:

ClinVar aggregate classification (germline): Likely benign (1 of 4 stars; one submission).

Allele frequency attached by ClinVar (database versions not stated): 1000 Genomes Project 0.01018; gnomAD 0.01034 and 0.01044; 1000 Genomes Project 30x 0.01062; TOPMed 0.01087.
gnomAD v4.1: 1,641 of 152,246 alleles (1.1%); highest among the groups gnomAD compares: Middle Eastern, 2%; 18 homozygotes.

Submission:

GeneDx
Classification: Likely benign. Last evaluated: 2018-06-18. Review status: criteria provided, single submitter. Criteria: GeneDx Variant Classification (06012015). Collection method: clinical testing. Allele origin: germline. Affected: yes.
Comment: This variant is considered likely benign or benign based on one or more of the following criteria: it is a conservative change, it occurs at a poorly conserved position in the protein, it is predicted to be benign by multiple in silico algorithms, and/or has population frequency not consistent with disease.

NM_001035.3(RYR2):c.11775+211A>G

Gene: RYR2 (ryanodine receptor 2; plus strand). Cytogenetic location: 1q43.
Variant type: single nucleotide variant.
Coding change: c.11775+211A>G on transcript NM_001035.3 (MANE Select); 211 bases into the intron after coding-DNA position 11775, A replaced by G.
Molecular consequence: intron variant.
Genome position (GRCh38, 1-based): chr1:237,773,859, A>G. VCF-style: chr1-237773859-A-G. GRCh37 (hg19) VCF-style: chr1-237937159-A-G.
Identifiers: ClinVar variation 673873 (VCV000673873.1), dbSNP rs147183055, ClinGen allele CA39818058.
Genomic context (GRCh38, chr1:237,773,859, plus strand): 5'-ATATGGAATGAAATTGCTTCACCATTTGGCAGGTTGAGATATGATTAACTCCTTAGAGGC[A>G]TGGGCTGTGATGTTAGCTCTATTGTACCTCCAGGGCCTGGTATATGTATTAAGCACTTAG-3'